The following is an entry in ClinVar:

NM_001369268.1(ACAN):c.185C>A (p.Thr62Asn)

Gene: ACAN (aggrecan; plus strand). Cytogenetic location: 15q26.1.
Variant type: single nucleotide variant.
Coding change: c.185C>A on transcript NM_001369268.1 (MANE Select); coding-DNA position 185, C replaced by A.
Protein change: p.Thr62Asn; replaces threonine 62 with asparagine.
Molecular consequence: missense variant.
Genome position (GRCh38, 1-based): chr15:88,838,777, C>A. VCF-style: chr15-88838777-C-A. GRCh37 (hg19) VCF-style: chr15-89382008-C-A.
Other names: c.185C>A, p.Thr62Asn (NM_001135.4, NM_013227.4); short protein forms T62N.
Identifiers: ClinVar variation 284706 (VCV000284706.18), dbSNP rs200239326, ClinGen allele CA7719162.
Genomic context (GRCh38, chr15:88,838,777, plus strand): 5'-TCCTGGGGACCTCCCTCACCATCCCCTGCTATTTCATCGACCCCATGCACCCTGTGACCA[C>A]CGCCCCTTCTACCGCCCCACTGGCCCCAAGAATCAAGTGGAGCCGTGTGTCCAAGGAGAA-3'
Protein context (NP_001356197.1, residues 52-72): YFIDPMHPVT[Thr62Asn]APSTAPLAPR

ClinVar aggregate classification (germline): Conflicting classifications of pathogenicity. Review status: criteria provided, conflicting classifications (1 of 4 stars). 7 submissions from 7 submitters: Uncertain significance (5); Likely benign (2). Last evaluated 2026-06-01.

Conditions:
Inborn genetic diseases. Identifiers: MedGen C0950123, MeSH D030342.

Allele frequency attached by ClinVar (database versions not stated): 1000 Genomes Project 0.00020; 1000 Genomes Project 30x 0.00031; gnomAD 0.00039 and 0.00040; ESP Exome Variant Server 0.00040; ExAC 0.00043; gnomAD exomes 0.00045 and 0.00089; TOPMed 0.00046.
gnomAD v4.1: 1,362 of 1,614,036 alleles (0.084%); highest among the groups gnomAD compares: Non-Finnish European, 0.11%; 2 homozygotes.

Submissions (7):

CeGaT Center for Human Genetics Tuebingen
Classification: Likely benign. Last evaluated: 2026-06-01. Review status: criteria provided, single submitter. Criteria: CeGaT Center For Human Genetics Tuebingen Variant Classification Criteria Version 2. Collection method: clinical testing. Allele origin: germline. Affected: yes. Observed: 2 variant alleles.
Comment: ACAN: BS2

Labcorp Genetics (formerly Invitae), Labcorp
Classification: Likely benign. Last evaluated: 2026-01-12. Review status: criteria provided, single submitter. Criteria: Invitae Variant Classification Sherloc (09022015). Collection method: clinical testing. Allele origin: germline.

Blueprint Genetics
Classification: Uncertain significance. Last evaluated: 2024-11-19. Review status: criteria provided, single submitter. Criteria: ACMG Guidelines, 2015. Collection method: clinical testing. Allele origin: germline.

Women's Health and Genetics/Laboratory Corporation of America, LabCorp
Classification: Uncertain significance. Last evaluated: 2024-08-14. Review status: criteria provided, single submitter. Criteria: LabCorp Variant Classification Summary - May 2015. Collection method: clinical testing. Allele origin: germline.
Comment: Variant summary: ACAN c.185C>A (p.Thr62Asn) results in a non-conservative amino acid change in the encoded protein sequence. Three of five in-silico tools predict a benign effect of the variant on protein function. The variant allele was found at a frequency of 0.00045 in 249208 control chromosomes. This frequency is not significantly higher than estimated for a pathogenic variant in ACAN causing ACAN-Related Disorders, allowing no conclusion about variant significance. To our knowledge, no occurrence of c.185C>A in individuals affected with ACAN-Related Disorders and no experimental evidence demonstrating its impact on protein function have been reported. ClinVar contains an entry for this variant (Variation ID: 284706). Based on the evidence outlined above, the variant was classified as uncertain significance.

GeneDx
Classification: Uncertain significance. Last evaluated: 2021-10-11. Review status: criteria provided, single submitter. Criteria: GeneDx Variant Classification Process June 2021. Collection method: clinical testing. Allele origin: germline. Affected: yes.
Comment: In silico analysis supports that this missense variant has a deleterious effect on protein structure/function; Has not been previously published as pathogenic or benign to our knowledge

Ambry Genetics
Classification: Uncertain significance for Inborn genetic diseases. Last evaluated: 2021-06-18. Review status: criteria provided, single submitter. Criteria: Ambry Variant Classification Scheme 2023. Collection method: clinical testing. Allele origin: germline.

Eurofins Ntd Llc (ga)
Classification: Uncertain significance. Last evaluated: 2017-11-30. Review status: criteria provided, single submitter. Criteria: EGL Classification Definitions 2015. Collection method: clinical testing. Allele origin: germline. Observed: 2 variant alleles, 2 heterozygotes.